The following is an entry in ClinVar:

ClinVar aggregate classification (germline): Uncertain significance. Review status: criteria provided, multiple submitters, no conflicts (2 of 4 stars). 2 submissions from 2 submitters: Uncertain significance (2). Last evaluated 2024-09-10.

Conditions:
Werner syndrome (WRN). Identifiers: Orphanet 902, MedGen C0043119, MONDO:0010196, OMIM 277700.

Submissions (2):

Labcorp Genetics (formerly Invitae), Labcorp
Classification: Uncertain significance for Werner syndrome. Last evaluated: 2024-09-10. Review status: criteria provided, single submitter. Criteria: Invitae Variant Classification Sherloc (09022015). Collection method: clinical testing. Allele origin: germline.
Comment: This sequence change replaces proline, which is neutral and non-polar, with threonine, which is neutral and polar, at codon 1359 of the WRN protein (p.Pro1359Thr). This variant is not present in population databases (gnomAD no frequency). This variant has not been reported in the literature in individuals affected with WRN-related conditions. ClinVar contains an entry for this variant (Variation ID: 1433818). An algorithm developed to predict the effect of missense changes on protein structure and function outputs the following: PolyPhen-2: "Benign". The threonine amino acid residue is found in multiple mammalian species, which suggests that this missense change does not adversely affect protein function. In summary, the available evidence is currently insufficient to determine the role of this variant in disease. Therefore, it has been classified as a Variant of Uncertain Significance.

Fulgent Genetics
Classification: Uncertain significance for Werner syndrome. Last evaluated: 2024-02-15. Review status: criteria provided, single submitter. Criteria: ACMG Guidelines, 2015. Collection method: clinical testing. Allele origin: germline.

NM_000553.6(WRN):c.4075C>A (p.Pro1359Thr)

Gene: WRN (WRN RecQ like helicase; plus strand). Cytogenetic location: 8p12.
Variant type: single nucleotide variant.
Coding change: c.4075C>A on transcript NM_000553.6 (MANE Select); coding-DNA position 4075, C replaced by A.
Protein change: p.Pro1359Thr; replaces proline 1359 with threonine.
Molecular consequence: missense variant.
Genome position (GRCh38, 1-based): chr8:31,167,114, C>A. VCF-style: chr8-31167114-C-A. GRCh37 (hg19) VCF-style: chr8-31024630-C-A.
Other names: short protein forms P1359T.
Identifiers: ClinVar variation 1433818 (VCV001433818.9), dbSNP rs1803921475, ClinGen allele CA370909283.
Genomic context (GRCh38, chr8:31,167,114, plus strand): 5'-GTTCCTGAAAACATTGACACGTACCTTATCCACATGGCAATTGAGATCCTTAAACATGGT[C>A]CTGACAGCGGACTTCAACCTTCATGTGATGTCAACAAAAGGAGATGTTTTCCCGGTTCTG-3'
Protein context (NP_000544.2, residues 1349-1369): HMAIEILKHG[Pro1359Thr]DSGLQPSCDV